The following is an entry in ClinVar:

NM_144599.5(NIPA1):c.179-9T>C

Gene: NIPA1 (NIPA magnesium transporter 1; plus strand). Cytogenetic location: 15q11.2.
Variant type: single nucleotide variant.
Coding change: c.179-9T>C on transcript NM_144599.5 (MANE Select); 9 bases into the intron before coding-DNA position 179, T replaced by C.
Molecular consequence: intron variant.
Genome position (GRCh38, 1-based): chr15:22,810,740, T>C. VCF-style: chr15-22810740-T-C. GRCh37 (hg19) VCF-style: chr15-23062328-A-G.
Other names: c.-47-9T>C (NM_001142275.1).
Identifiers: ClinVar variation 1912484 (VCV001912484.7), dbSNP rs1895300749, ClinGen allele CA2163900784.

ClinVar aggregate classification (germline): Conflicting classifications of pathogenicity. Review status: criteria provided, conflicting classifications (1 of 4 stars). 2 submissions from 2 submitters: Uncertain significance (1); Likely benign (1). Last evaluated 2025-12-26.

Conditions:
Hereditary spastic paraplegia 6 (SPG6). Also called: SPASTIC PARAPLEGIA 6, AUTOSOMAL DOMINANT. Identifiers: Orphanet 100988, MedGen C1838192, MONDO:0010878, OMIM 600363.

Submissions (2):

Dasa
Classification: Uncertain significance for Hereditary spastic paraplegia 6. Last evaluated: 2025-12-26. Review status: criteria provided, single submitter. Criteria: DASA Assertion Criteria. Collection method: clinical testing. Allele origin: germline.
Comment: NM_144599.5(NIPA1):c.179-9T>C is a splice-region variant. This variant is rare in population databases. Computational prediction algorithms are consistent with a benign effect. The currently available literature and clinical evidence are not sufficient to establish a definitive association between this variant and the reported condition. Therefore, this variant is classified as a variant of uncertain significance.

Labcorp Genetics (formerly Invitae), Labcorp
Classification: Likely benign for Hereditary spastic paraplegia 6. Last evaluated: 2022-09-27. Review status: criteria provided, single submitter. Criteria: Invitae Variant Classification Sherloc (09022015). Collection method: clinical testing. Allele origin: germline.